The following is an entry in ClinVar:

NM_053025.4(MYLK):c.5629G>A (p.Asp1877Asn)

Genes: MYLK-AS1 (MYLK antisense RNA 1; plus strand), MYLK (myosin light chain kinase; minus strand). Cytogenetic location: 3q21.1.
Variant type: single nucleotide variant.
Coding change: c.5629G>A on transcript NM_053025.4 (MANE Select); coding-DNA position 5629, G replaced by A.
Protein change: p.Asp1877Asn; replaces aspartic acid 1877 with asparagine.
Molecular consequence: missense variant.
Genome position (GRCh38, 1-based): chr3:123,614,221, C>T on the plus strand (G>A on the coding strand, the complement: MYLK is on the minus strand). VCF-style: chr3-123614221-C-T. GRCh37 (hg19) VCF-style: chr3-123333068-C-T.
Other names: c.5101G>A, p.Asp1701Asn (NM_001321309.2); c.5422G>A, p.Asp1808Asn (NM_053026.4); c.5476G>A, p.Asp1826Asn (NM_053027.4); c.5269G>A, p.Asp1757Asn (NM_053028.4); c.346G>A, p.Asp116Asn (NM_053031.4); c.349G>A, p.Asp117Asn (NM_053032.4); short protein forms D1701N, D1826N, D116N, D117N, D1757N, D1877N, D1808N.
Identifiers: ClinVar variation 3876582 (VCV003876582.2).

ClinVar aggregate classification (germline): Uncertain significance. Review status: criteria provided, multiple submitters, no conflicts (2 of 4 stars). 2 submissions from 2 submitters: Uncertain significance (2). Last evaluated 2025-04-20.

Conditions:
Familial thoracic aortic aneurysm and aortic dissection (TAAD). Also called: Thoracic aortic aneurysms and dissections. Identifiers: Orphanet 91387, MedGen C4707243, MONDO:0019625.
Aortic aneurysm, familial thoracic 7 (AAT7). Also called: AORTIC DISSECTION, FAMILIAL, WITH OR WITHOUT AORTIC ANEURYSM. Identifiers: MedGen C3151077, MONDO:0013418, OMIM 613780.

Submissions (2):

Labcorp Genetics (formerly Invitae), Labcorp
Classification: Uncertain significance for Aortic aneurysm, familial thoracic 7. Last evaluated: 2025-04-20. Review status: criteria provided, single submitter. Criteria: Invitae Variant Classification Sherloc (09022015). Collection method: clinical testing. Allele origin: germline.
Comment: This sequence change replaces aspartic acid, which is acidic and polar, with asparagine, which is neutral and polar, at codon 1877 of the MYLK protein (p.Asp1877Asn). This variant is not present in population databases (gnomAD no frequency). This variant has not been reported in the literature in individuals affected with MYLK-related conditions. Invitae Evidence Modeling of protein sequence and biophysical properties (such as structural, functional, and spatial information, amino acid conservation, physicochemical variation, residue mobility, and thermodynamic stability) indicates that this missense variant is not expected to disrupt MYLK protein function with a negative predictive value of 80%. In summary, the available evidence is currently insufficient to determine the role of this variant in disease. Therefore, it has been classified as a Variant of Uncertain Significance.

Ambry Genetics
Classification: Uncertain significance for Familial thoracic aortic aneurysm and aortic dissection. Last evaluated: 2024-12-13. Review status: criteria provided, single submitter. Criteria: Ambry Variant Classification Scheme 2023. Collection method: clinical testing. Allele origin: germline.
Comment: The p.D1877N variant (also known as c.5629G>A), located in coding exon 31 of the MYLK gene, results from a G to A substitution at nucleotide position 5629. The aspartic acid at codon 1877 is replaced by asparagine, an amino acid with highly similar properties. This amino acid position is conserved. In addition, this alteration is predicted to be tolerated by in silico analysis. Based on the available evidence, the clinical significance of this variant remains unclear.